The following is an entry in ClinVar:

ClinVar aggregate classification (germline): Conflicting classifications of pathogenicity. Review status: criteria provided, conflicting classifications (1 of 4 stars). 6 submissions from 6 submitters: Pathogenic (2); Likely pathogenic (2); Uncertain significance (1). 1 of the submissions does not count toward it. Last evaluated 2023-08-14.

Conditions:
Marfan syndrome (MFS). Also called: Marfan syndrome, classic; FBN1-Related Marfan Syndrome; Marfan syndrome type 1; Marfan's syndrome; MARFAN SYNDROME, TYPE I. Identifiers: Orphanet 284963, Orphanet 558, MedGen C0024796, MONDO:0007947, OMIM 154700.
Familial thoracic aortic aneurysm and aortic dissection (TAAD). Also called: Thoracic aortic aneurysms and dissections. Identifiers: Orphanet 91387, MedGen C4707243, MONDO:0019625.

Submissions (6):

Ambry Genetics
Classification: Uncertain significance for Familial thoracic aortic aneurysm and aortic dissection. Last evaluated: 2023-08-14. Review status: criteria provided, single submitter. Criteria: Ambry Variant Classification Scheme 2023. Collection method: clinical testing. Allele origin: germline.
Comment: The c.6496G>A variant (also known as p.D2166N), located in coding exon 52 of the FBN1 gene, results from a G to A substitution at nucleotide position 6496. The aspartic acid at codon 2166 asparagine, an amino acid with highly similar properties. However, this change occurs in the last base pair of coding exon 52, which makes it likely to have some effect on normal mRNA splicing. This variant has been detected in individuals reported to have Marfan syndrome; however, in some cases, clinical details were limited and reported patients may overlap (Stheneur C et al. Eur J Hum Genet, 2009 Sep;17:1121-8; Baetens M et al. Hum Mutat, 2011 Sep;32:1053-62; Meester JAN et al. Genet Med, 2022 May;24:1045-1053; Proost D et al. Hum Mutat, 2015 Aug;36:808-14). This nucleotide position is highly conserved in available vertebrate species. This amino acid position is highly conserved in available vertebrate species. In silico splice site analysis predicts that this alteration will result in the creation or strengthening of a novel splice donor site. In addition, as a missense substitution this is predicted to be tolerated by in silico analysis. Since supporting evidence is limited at this time, the clinical significance of this alteration remains unclear.

Labcorp Genetics (formerly Invitae), Labcorp
Classification: Pathogenic for Marfan syndrome; Familial thoracic aortic aneurysm and aortic dissection. Last evaluated: 2023-07-07. Review status: criteria provided, single submitter. Criteria: Invitae Variant Classification Sherloc (09022015). Collection method: clinical testing. Allele origin: germline.
Comment: This sequence change replaces aspartic acid, which is acidic and polar, with asparagine, which is neutral and polar, at codon 2166 of the FBN1 protein (p.Asp2166Asn). This variant also falls at the last nucleotide of exon 53, which is part of the consensus splice site for this exon. This variant is not present in population databases (gnomAD no frequency). This missense change has been observed in individual(s) with Marfan syndrome (PMID: 19293843, 21542060; Invitae). In at least one individual the variant was observed to be de novo. ClinVar contains an entry for this variant (Variation ID: 200087). An algorithm developed to predict the effect of missense changes on protein structure and function (PolyPhen-2) suggests that this variant is likely to be disruptive. Variants that disrupt the consensus splice site are a relatively common cause of aberrant splicing (PMID: 17576681, 9536098). Algorithms developed to predict the effect of sequence changes on RNA splicing suggest that this variant may create or strengthen a splice site. For these reasons, this variant has been classified as Pathogenic.

GeneDx
Classification: Likely pathogenic. Last evaluated: 2022-11-14. Review status: criteria provided, single submitter. Criteria: GeneDx Variant Classification Process June 2021. Collection method: clinical testing. Allele origin: germline. Affected: yes.
Comment: Not observed at significant frequency in large population cohorts (gnomAD); Variant in the last nucleotide of the exon in a gene for which loss of function is a known mechanism of disease, and both splice predictors and evolutionary conservation support a deleterious effect, although in the absence of functional evidence the actual effect of this sequence change is unknown.; This variant is associated with the following publications: (PMID: 35058154, 20591885, Yang2022[CaseReport], 19293843, 21542060)

Human Genetics Unit, University Of Colombo
Classification: Pathogenic for Marfan syndrome. Last evaluated: 2021-12-27. Review status: criteria provided, single submitter. Criteria: ACMG Guidelines, 2015. Collection method: clinical testing. Allele origin: germline. Affected: yes. Observed: 1 variant allele.
Comment: Variant is predicted splicing: scSNV-ADA = 0.999982 is greater than 0.999925, and LOF in gene FBN1 is known to cause disease (gene has 1 839 reported pathogenic LOF variants). Multiple lines of In silico analyses supports that this variant has a deleterious effect on protein structure/function [PP3]. ClinVar classifies this variant as Uncertain Significance but a high confidence submitter has classified as Likely Pathogenic, 1 star (reviewed Mar '25, 5 submissions of which 1 is from high confidence submitter), citing 4 articles (PMID 35058154, 27906200, 25907466, and 21542060) [PP5]. Hot-spot of length 17 amino-acids has 13 missense/in-frame variants (6 pathogenic variants, 7 uncertain variants, and no benign), which qualifies as moderate pathogenic [PM1]. 2 pathogenic alternative variants identified (chr15:48729158 C>G (Asp2166His) and chr15:48729158 C>A (Asp2166Tyr) [PM5]. In summary, this variant meets criteria to be classified as pathogenic based on ACMG/AMP guidelines: PP3, PP4, PP5, PM1, and PM5.

Centre of Medical Genetics, University of Antwerp
Classification: Likely pathogenic for Marfan syndrome. Last evaluated: 2021-03-01. Review status: criteria provided, single submitter. Criteria: Submitter's publication. Collection method: research. Allele origin: unknown. Affected: yes.
Comment: PM2, PS6, PP4

Center for Medical Genetics Ghent, University of Ghent
Classification: Uncertain significance for Marfan syndrome. Last evaluated: 2017-11-07. Review status: no assertion criteria provided. Collection method: clinical testing. Allele origin: germline. Affected: yes. Not counted in ClinVar's aggregate classification.

Literature cited by the submitters: PubMed 19293843 (cited by Ambry Genetics and Labcorp Genetics (formerly Invitae), Labcorp); PubMed 21542060 (cited by 3 submitters); PubMed 25907466 (cited by Ambry Genetics and Human Genetics Unit, University Of Colombo); PubMed 27906200 (cited by Ambry Genetics and Human Genetics Unit, University Of Colombo); PubMed 35058154 (cited by Ambry Genetics and Human Genetics Unit, University Of Colombo); PubMed 17576681 (cited by Labcorp Genetics (formerly Invitae), Labcorp); PubMed 9536098 (cited by Labcorp Genetics (formerly Invitae), Labcorp).

NM_000138.5(FBN1):c.6496G>A (p.Asp2166Asn)

Gene: FBN1 (fibrillin 1; minus strand). Cytogenetic location: 15q21.1.
Variant type: single nucleotide variant.
Coding change: c.6496G>A on transcript NM_000138.5 (MANE Select); coding-DNA position 6496, G replaced by A.
Protein change: p.Asp2166Asn; replaces aspartic acid 2166 with asparagine.
Molecular consequence: missense variant.
Genome position (GRCh38, 1-based): chr15:48,436,961, C>T on the plus strand (G>A on the coding strand, the complement: FBN1 is on the minus strand). VCF-style: chr15-48436961-C-T. GRCh37 (hg19) VCF-style: chr15-48729158-C-T.
Other names: p.D2166N:GAT>AAT; short protein forms D2166N.
Identifiers: ClinVar variation 200087 (VCV000200087.26), dbSNP rs794728252, ClinGen allele CA016504.